The following is an entry in ClinVar:

ClinVar aggregate classification (germline): Uncertain significance (0 of 4 stars; one submission).

Conditions:
ACOX2-related disorder. Also called: ACOX2-related condition.

gnomAD v4.1: 7 of 1,614,064 alleles (0.00043%); highest among the groups gnomAD compares: Non-Finnish European, 0.00051%; no homozygotes.

Submission:

PreventionGenetics, part of Exact Sciences
Classification: Uncertain significance for ACOX2-related condition. Last evaluated: 2024-03-07. Review status: no assertion criteria provided. Collection method: clinical testing. Allele origin: germline.
Comment: The ACOX2 c.23T>A variant is predicted to result in the amino acid substitution p.Val8Glu. To our knowledge, this variant has not been reported in the literature or in a large population database, indicating this variant is rare. At this time, the clinical significance of this variant is uncertain due to the absence of conclusive functional and genetic evidence.

NM_003500.4(ACOX2):c.23T>A (p.Val8Glu)

Gene: ACOX2 (acyl-CoA oxidase 2; minus strand). Cytogenetic location: 3p14.3.
Variant type: single nucleotide variant.
Coding change: c.23T>A on transcript NM_003500.4 (MANE Select); coding-DNA position 23, T replaced by A.
Protein change: p.Val8Glu; replaces valine 8 with glutamic acid.
Molecular consequence: missense variant.
Genome position (GRCh38, 1-based): chr3:58,535,084, A>T on the plus strand (T>A on the coding strand, the complement: ACOX2 is on the minus strand). VCF-style: chr3-58535084-A-T. GRCh37 (hg19) VCF-style: chr3-58520811-A-T.
Other names: short protein forms V8E.
Identifiers: ClinVar variation 3349724 (VCV003349724.1).
Genomic context (GRCh38, chr3:58,535,084, plus strand): 5'-ATATACCTCTCGCTCTCTATGTCGGGGTGCATTTGCCTGCTCCAGGTATCCCCCAATGAC[A>T]CTCGGTGCACTGGGCTGCCCATCCTATCCTGGATCTGTCTGGTGACTATGGAGAGACACT-3'
Protein context (NP_003491.1, residues 1-18): MGSPVHR[Val8Glu]SLGDTWSRQM